The following is an entry in ClinVar:

NM_031483.7(ITCH):c.496G>C (p.Gly166Arg)

Gene: ITCH (itchy E3 ubiquitin protein ligase; plus strand). Cytogenetic location: 20q11.22.
Variant type: single nucleotide variant.
Coding change: c.496G>C on transcript NM_031483.7 (MANE Select); coding-DNA position 496, G replaced by C.
Protein change: p.Gly166Arg; replaces glycine 166 with arginine.
Molecular consequence: missense variant.
Genome position (GRCh38, 1-based): chr20:34,424,500, G>C. VCF-style: chr20-34424500-G-C. GRCh37 (hg19) VCF-style: chr20-33012306-G-C.
Other names: c.619G>C, p.Gly207Arg (NM_001257137.3, NM_001324197.2); c.166G>C, p.Gly56Arg (NM_001257138.3); c.496G>C, p.Gly166Arg (NM_001324198.2); short protein forms G207R, G166R, G56R.
Identifiers: ClinVar variation 2123694 (VCV002123694.4), dbSNP rs2146220329, ClinGen allele CA408662424.

ClinVar aggregate classification (germline): Uncertain significance (1 of 4 stars; one submission).

Conditions:
Syndromic multisystem autoimmune disease due to ITCH deficiency. Also called: AUTOIMMUNE DISEASE, MULTISYSTEM, WITH FACIAL DYSMORPHISM. Identifiers: Orphanet 228426, MedGen C3150649, MONDO:0013245, OMIM 613385.

Allele frequency attached by ClinVar (database versions not stated): gnomAD exomes below 0.00001.
gnomAD v4.1: 1 of 1,613,512 alleles (0.000062%); highest among the groups gnomAD compares: Non-Finnish European, 0.000085%; no homozygotes.

Submission:

Labcorp Genetics (formerly Invitae), Labcorp
Classification: Uncertain significance for Syndromic multisystem autoimmune disease due to ITCH deficiency. Last evaluated: 2022-04-09. Review status: criteria provided, single submitter. Criteria: Invitae Variant Classification Sherloc (09022015). Collection method: clinical testing. Allele origin: germline.
Comment: This variant is not present in population databases (gnomAD no frequency). This sequence change replaces glycine, which is neutral and non-polar, with arginine, which is basic and polar, at codon 166 of the ITCH protein (p.Gly166Arg). This variant has not been reported in the literature in individuals affected with ITCH-related conditions. Algorithms developed to predict the effect of missense changes on protein structure and function are either unavailable or do not agree on the potential impact of this missense change (SIFT: "Not Available"; PolyPhen-2: "Benign"; Align-GVGD: "Not Available"). In summary, the available evidence is currently insufficient to determine the role of this variant in disease. Therefore, it has been classified as a Variant of Uncertain Significance.